The following is an entry in ClinVar:

NM_001042492.3(NF1):c.8002_8003del (p.Leu2668fs)

Gene: NF1 (neurofibromin 1; plus strand). Cytogenetic location: 17q11.2.
Variant type: Deletion.
Coding change: c.8002_8003del on transcript NM_001042492.3 (MANE Select); coding-DNA positions 8002 to 8003, 2 bases deleted (CT; older notation c.8002_8003delCT).
Protein change: p.Leu2668fs; shifts the reading frame from leucine 2668.
Molecular consequence: frameshift variant.
Genome position (GRCh38, 1-based): chr17:31,358,511-31,358,512, CT deleted. VCF-style (leftmost placement, unchanged base first): chr17-31358510-CCT-C. GRCh37 (hg19) VCF-style: chr17-29685528-CCT-C.
Other names: c.7939_7940delCT, p.Leu2647Valfs (NM_000267.4); short protein forms L2647fs, L2668fs.
Identifiers: ClinVar variation 967234 (VCV000967234.6), dbSNP rs2070326034, ClinGen allele CA1139665305.

ClinVar aggregate classification (germline): Pathogenic (1 of 4 stars; one submission).

Conditions:
Neurofibromatosis, type 1 (NF1). Also called: Neurofibromatosis, type I; Peripheral type neurofibromatosis; VON RECKLINGHAUSEN DISEASE; NEUROFIBROMATOSIS, TYPE I, SOMATIC. Identifiers: Orphanet 636, MedGen C0027831, MONDO:0018975, OMIM 162200. Disease mechanism: loss of function.

Submission:

Labcorp Genetics (formerly Invitae), Labcorp
Classification: Pathogenic for Neurofibromatosis, type 1. Last evaluated: 2019-10-06. Review status: criteria provided, single submitter. Criteria: Invitae Variant Classification Sherloc (09022015). Collection method: clinical testing. Allele origin: germline.
Comment: For these reasons, this variant has been classified as Pathogenic. Loss-of-function variants in NF1 are known to be pathogenic (PMID: 10712197, 23913538). This variant has not been reported in the literature in individuals with NF1-related conditions. This variant is not present in population databases (ExAC no frequency). This sequence change creates a premature translational stop signal (p.Leu2647Valfs*24) in the NF1 gene. It is expected to result in an absent or disrupted protein product.

Literature cited by the submitters: PubMed 10712197; PubMed 23913538.